The following is an entry in ClinVar:

ClinVar aggregate classification (germline): Uncertain significance (1 of 4 stars; one submission).

Allele frequency attached by ClinVar (database versions not stated): gnomAD exomes below 0.00001.
gnomAD v4.1: 3 of 1,613,904 alleles (0.00019%); highest among the groups gnomAD compares: Admixed American, 0.0017%; no homozygotes.

Submission:

Labcorp Genetics (formerly Invitae), Labcorp
Classification: Uncertain significance. Last evaluated: 2024-01-02. Review status: criteria provided, single submitter. Criteria: Invitae Variant Classification Sherloc (09022015). Collection method: clinical testing. Allele origin: germline.
Comment: This sequence change replaces tyrosine, which is neutral and polar, with histidine, which is basic and polar, at codon 338 of the TAOK2 protein (p.Tyr338His). This variant is not present in population databases (gnomAD no frequency). This variant has not been reported in the literature in individuals affected with TAOK2-related conditions. An algorithm developed to predict the effect of missense changes on protein structure and function (PolyPhen-2) suggests that this variant is likely to be tolerated. In summary, the available evidence is currently insufficient to determine the role of this variant in disease. Therefore, it has been classified as a Variant of Uncertain Significance.

NM_016151.4(TAOK2):c.1012T>C (p.Tyr338His)

Gene: TAOK2 (TAO kinase 2; plus strand). Cytogenetic location: 16p11.2.
Variant type: single nucleotide variant.
Coding change: c.1012T>C on transcript NM_016151.4 (MANE Select); coding-DNA position 1012, T replaced by C.
Protein change: p.Tyr338His; replaces tyrosine 338 with histidine.
Molecular consequence: missense variant.
Genome position (GRCh38, 1-based): chr16:29,983,084, T>C. VCF-style: chr16-29983084-T-C. GRCh37 (hg19) VCF-style: chr16-29994405-T-C.
Other names: c.1012T>C, p.Tyr338His (NM_001252043.2, NM_004783.4); short protein forms Y338H.
Identifiers: ClinVar variation 2722719 (VCV002722719.3), dbSNP rs2543635038, ClinGen allele CA395479149.
Genomic context (GRCh38, chr16:29,983,084, plus strand): 5'-CCCCAGGGCTTCCCCTTCCCTGTCCAGCAGCCTACGCCCTGTTCGCAGGAGGCCGAGCCC[T>C]ACATGCACCGGGCCGGGACTCTGACCAGCCTCGAGAGTAGCCACTCAGTGCCCAGCATGT-3'
Protein context (NP_057235.2, residues 328-348): APEEEEEAEP[Tyr338His]MHRAGTLTSL